The following is an entry in ClinVar:

ClinVar aggregate classification (germline): Uncertain significance (1 of 4 stars; one submission).

Conditions:
Arginase deficiency. Also called: ARGININEMIA; ARG1 DEFICIENCY; Arginase 1 Deficiency. Identifiers: Orphanet 90, MedGen C0268548, MONDO:0008814, OMIM 207800.

Allele frequency attached by ClinVar (database versions not stated): TOPMed 0.00003; ESP Exome Variant Server 0.00015; gnomAD exomes below 0.00001 and 0.00002; gnomAD 0.00004; 1000 Genomes Project 0.00020; ExAC 0.00002; 1000 Genomes Project 30x 0.00016.
gnomAD v4.1: 11 of 1,614,142 alleles (0.00068%); highest among the groups gnomAD compares: African/African-American, 0.015%; no homozygotes.

Submission:

Labcorp Genetics (formerly Invitae), Labcorp
Classification: Uncertain significance for Arginase deficiency. Last evaluated: 2023-08-10. Review status: criteria provided, single submitter. Criteria: Invitae Variant Classification Sherloc (09022015). Collection method: clinical testing. Allele origin: germline.
Comment: In summary, the available evidence is currently insufficient to determine the role of this variant in disease. Therefore, it has been classified as a Variant of Uncertain Significance. Advanced modeling of protein sequence and biophysical properties (such as structural, functional, and spatial information, amino acid conservation, physicochemical variation, residue mobility, and thermodynamic stability) performed at Invitae indicates that this missense variant is not expected to disrupt ARG1 protein function. ClinVar contains an entry for this variant (Variation ID: 1413054). This variant has not been reported in the literature in individuals affected with ARG1-related conditions. This variant is present in population databases (rs148113697, gnomAD 0.02%). This sequence change replaces cysteine, which is neutral and slightly polar, with glycine, which is neutral and non-polar, at codon 303 of the ARG1 protein (p.Cys303Gly).

NM_000045.4(ARG1):c.907T>G (p.Cys303Gly)

Genes: ARG1 (arginase 1; plus strand), MED23 (mediator complex subunit 23; minus strand). Cytogenetic location: 6q23.2.
Variant type: single nucleotide variant.
Coding change: c.907T>G on transcript NM_000045.4 (MANE Select); coding-DNA position 907, T replaced by G.
Protein change: p.Cys303Gly; replaces cysteine 303 with glycine.
Molecular consequence: missense variant. On other transcripts: non-coding transcript variant (1), intron variant (2).
Genome position (GRCh38, 1-based): chr6:131,583,846, T>G. VCF-style: chr6-131583846-T-G. GRCh37 (hg19) VCF-style: chr6-131904986-T-G.
Other names: c.931T>G, p.Cys311Gly (NM_001244438.2); c.652T>G, p.Cys218Gly (NM_001369020.1); c.4077+3863A>C (NM_001270521.2); c.4095+3863A>C (NM_015979.4); short protein forms C311G, C303G, C218G.
Identifiers: ClinVar variation 1413054 (VCV001413054.5), dbSNP rs148113697, ClinGen allele CA3999406.